The following is an entry in ClinVar:

ClinVar aggregate classification (germline): Uncertain significance (1 of 4 stars; one submission).

Conditions:
Inborn genetic diseases. Identifiers: MedGen C0950123, MeSH D030342.

gnomAD v4.1: 8 of 1,536,974 alleles (0.00052%); highest among the groups gnomAD compares: Non-Finnish European, 0.00061%; no homozygotes.

Submission:

Ambry Genetics
Classification: Uncertain significance for Inborn genetic diseases. Last evaluated: 2025-12-16. Review status: criteria provided, single submitter. Criteria: Ambry Variant Classification Scheme 2023. Collection method: clinical testing. Allele origin: germline.
Comment: The c.4718C>T (p.P1573L) alteration is located in exon 32 (coding exon 32) of the PIEZO2 gene. This alteration results from a C to T substitution at nucleotide position 4718, causing the proline (P) at amino acid position 1573 to be replaced by a leucine (L). Based on data from gnomAD, the T allele has an overall frequency of 0.003% (1/31374) total alleles studied. The highest observed frequency was 0.007% (1/15416) of European (non-Finnish) alleles. Based on insufficient or conflicting evidence, the clinical significance of this alteration remains unclear.

NM_001378183.1(PIEZO2):c.4793C>T (p.Pro1598Leu)

Gene: PIEZO2 (piezo type mechanosensitive ion channel component 2; minus strand). Cytogenetic location: 18p11.22.
Variant type: single nucleotide variant.
Coding change: c.4793C>T on transcript NM_001378183.1 (MANE Select); coding-DNA position 4793, C replaced by T.
Protein change: p.Pro1598Leu; replaces proline 1598 with leucine.
Molecular consequence: missense variant.
Genome position (GRCh38, 1-based): chr18:10,736,626, G>A on the plus strand (C>T on the coding strand, the complement: PIEZO2 is on the minus strand). VCF-style: chr18-10736626-G-A. GRCh37 (hg19) VCF-style: chr18-10736624-G-A.
Other names: c.4793C>T, p.Pro1598Leu (NM_001410871.1); c.4718C>T, p.Pro1573Leu (NM_022068.4); short protein forms P1598L, P1573L.
Identifiers: ClinVar variation 4835428 (VCV004835428.1).